The following is an entry in ClinVar:

NM_000059.4(BRCA2):c.8213C>G (p.Ala2738Gly)

Gene: BRCA2 (BRCA2 DNA repair associated; plus strand). Cytogenetic location: 13q13.1.
Variant type: single nucleotide variant.
Coding change: c.8213C>G on transcript NM_000059.4 (MANE Select); coding-DNA position 8213, C replaced by G.
Protein change: p.Ala2738Gly; replaces alanine 2738 with glycine.
Molecular consequence: missense variant.
Genome position (GRCh38, 1-based): chr13:32,363,415, C>G. VCF-style: chr13-32363415-C-G. GRCh37 (hg19) VCF-style: chr13-32937552-C-G.
Other names: short protein forms A2738G.
Identifiers: ClinVar variation 489786 (VCV000489786.19), dbSNP rs1555287046, ClinGen allele CA387749788.

ClinVar aggregate classification (germline): Conflicting classifications of pathogenicity. Review status: criteria provided, conflicting classifications (1 of 4 stars). 5 submissions from 5 submitters: Uncertain significance (3); Likely benign (1). 1 of the submissions does not count toward it. Last evaluated 2025-05-16.

Conditions:
Hereditary breast ovarian cancer syndrome. Also called: Breast and ovarian cancer; Hereditary breast and/or ovarian cancer syndrome; Hereditary breast and ovarian cancer; Hereditary breast and ovarian cancer syndrome (HBOC); BRCA1- and BRCA2-Associated Hereditary Breast and Ovarian Cancer; Hereditary breast and ovarian cancer syndrome. Identifiers: Orphanet 145, MedGen C0677776, MeSH D061325, MONDO:0003582. Disease mechanism: loss of function.
Familial cancer of breast. Also called: Hereditary breast cancer; BREAST CANCER, FAMILIAL; hereditary breast carcinoma. Identifiers: Orphanet 227535, MedGen C0346153, MONDO:0016419, OMIM 114480. Disease mechanism: loss of function.
Malignant tumor of breast. Also called: Malignant breast neoplasm; Cancer breast. Identifiers: MedGen C0006142, MONDO:0007254. Disease mechanism: loss of function.
Hereditary cancer-predisposing syndrome. Also called: Hereditary Cancer Syndrome; Neoplastic Syndromes, Hereditary; Tumor predisposition; Hereditary neoplastic syndrome. Identifiers: Orphanet 140162, MedGen C0027672, MeSH D009386, MONDO:0015356.

Submissions (5):

Ambry Genetics
Classification: Likely benign for Hereditary cancer-predisposing syndrome. Last evaluated: 2025-05-16. Review status: criteria provided, single submitter. Criteria: Ambry Variant Classification Scheme 2023. Collection method: clinical testing. Allele origin: germline.

Baylor Genetics
Classification: Uncertain significance for Familial cancer of breast. Last evaluated: 2023-07-07. Review status: criteria provided, single submitter. Criteria: ACMG Guidelines, 2015. Collection method: clinical testing. Allele origin: unknown.

Color Diagnostics, LLC DBA Color Health
Classification: Uncertain significance for Hereditary cancer-predisposing syndrome. Last evaluated: 2022-06-14. Review status: criteria provided, single submitter. Criteria: ACMG Guidelines, 2015. Collection method: clinical testing. Allele origin: germline.
Comment: This missense variant replaces alanine with glycine at codon 2738 of the BRCA2 protein. Computational prediction is inconclusive regarding the impact of this variant on protein structure and function (internally defined REVEL score threshold 0.5 < inconclusive < 0.7, PMID: 27666373). To our knowledge, functional studies have not been reported for this variant. This variant has not been identified in the general population by the Genome Aggregation Database (gnomAD). The available evidence is insufficient to determine the role of this variant in disease conclusively. Therefore, this variant is classified as a Variant of Uncertain Significance.

Labcorp Genetics (formerly Invitae), Labcorp
Classification: Uncertain significance for Hereditary breast ovarian cancer syndrome. Last evaluated: 2021-09-15. Review status: criteria provided, single submitter. Criteria: Invitae Variant Classification Sherloc (09022015). Collection method: clinical testing. Allele origin: germline.
Comment: In summary, the available evidence is currently insufficient to determine the role of this variant in disease. Therefore, it has been classified as a Variant of Uncertain Significance. Advanced modeling of protein sequence and biophysical properties (such as structural, functional, and spatial information, amino acid conservation, physicochemical variation, residue mobility, and thermodynamic stability) performed at Invitae indicates that this missense variant is not expected to disrupt BRCA2 protein function. ClinVar contains an entry for this variant (Variation ID: 489786). This variant has not been reported in the literature in individuals affected with BRCA2-related conditions. This variant is not present in population databases (ExAC no frequency). This sequence change replaces alanine with glycine at codon 2738 of the BRCA2 protein (p.Ala2738Gly). The alanine residue is moderately conserved and there is a small physicochemical difference between alanine and glycine.

Department of Pathology and Laboratory Medicine, Sinai Health System
Classification: Uncertain significance for Malignant tumor of breast. Review status: no assertion criteria provided. Collection method: clinical testing. Allele origin: unknown. Affected: yes. Observed: 2 variant alleles. Study: The Canadian Open Genetics Repository (COGR). Not counted in ClinVar's aggregate classification.
Comment: The BRCA2 p.Ala2738Gly variant was not identified in the literature nor was it identified in the dbSNP, ClinVar, Cosmic, MutDB, LOVD 3.0, UMD-LSDB, BIC Database, ARUP Laboratories, or the Zhejiang Colon Cancer Database. The variant was not identified in the following control databases: the 1000 Genomes Project, the NHLBI GO Exome Sequencing Project, the Exome Aggregation Consortium (August 8th 2016), or the Genome Aggregation Database (Feb 27, 2017). The p.Ala2738Gly residue is conserved in mammals and computational analyses (PolyPhen-2, SIFT, AlignGVGD, BLOSUM, MutationTaster) provide inconsistent predictions regarding the impact to the protein; this information is not very predictive of pathogenicity. The variant occurs outside of the splicing consensus sequence and 3 of 5 in silico or computational prediction software programs (SpliceSiteFinder, MaxEntScan, NNSPLICE, GeneSplicer, HumanSpliceFinder) predict a greater than 10% difference in splicing. However, this information is not predictive enough to assume pathogenicity. In summary, based on the above information the clinical significance of this variant cannot be determined with certainty at this time. This variant is classified as a variant of uncertain significance.